The following is an entry in ClinVar:

ClinVar aggregate classification (germline): Likely pathogenic (1 of 4 stars; one submission).

Submission:

GeneDx
Classification: Likely pathogenic. Last evaluated: 2016-08-15. Review status: criteria provided, single submitter. Criteria: GeneDx Variant Classification (06012015). Collection method: clinical testing. Allele origin: germline. Affected: yes.
Comment: The S17X variant in the SOX10 gene has not been reported previously as a pathogenic variant nor as a benign variant, to our knowledge. This variant is predicted to cause loss of normal protein function either through protein truncation or nonsense-mediated mRNA decay. The S17X variant was not observed in approximately 2700 individuals of European and African American ancestry in the NHLBI Exome Sequencing Project, indicating it is not a common benign variant in these populations. The S17X variant is a strong candidate for a pathogenic variant, however the possibility it may be a rare benign variant cannot be excluded.

NM_006941.4(SOX10):c.50C>A (p.Ser17Ter)

Genes: POLR2F (RNA polymerase II, I and III subunit F; plus strand), SOX10 (SRY-box transcription factor 10; minus strand). Cytogenetic location: 22q13.1.
Variant type: single nucleotide variant.
Coding change: c.50C>A on transcript NM_006941.4 (MANE Select); coding-DNA position 50, C replaced by A.
Protein change: p.Ser17Ter; replaces serine 17 with a stop codon.
Molecular consequence: nonsense. On other transcripts: intron variant (3).
Genome position (GRCh38, 1-based): chr22:37,983,735, G>T on the plus strand (C>A on the coding strand, the complement: SOX10 is on the minus strand). VCF-style: chr22-37983735-G-T. GRCh37 (hg19) VCF-style: chr22-38379742-G-T.
Other names: c.*38+11425G>T (NM_001363825.1); c.294-2419G>T (NM_001301130.2); c.293+16565G>T (NM_001301131.2); short protein forms S17*.
Identifiers: ClinVar variation 421835 (VCV000421835.4), dbSNP rs1064795391, ClinGen allele CA16621120.